The following is an entry in ClinVar:

NM_138694.4(PKHD1):c.8552T>C (p.Ile2851Thr)

Gene: PKHD1 (PKHD1 ciliary IPT domain containing fibrocystin/polyductin; minus strand). Cytogenetic location: 6p12.3.
Variant type: single nucleotide variant.
Coding change: c.8552T>C on transcript NM_138694.4 (MANE Select); coding-DNA position 8552, T replaced by C.
Protein change: p.Ile2851Thr; replaces isoleucine 2851 with threonine.
Molecular consequence: missense variant.
Genome position (GRCh38, 1-based): chr6:51,775,810, A>G on the plus strand (T>C on the coding strand, the complement: PKHD1 is on the minus strand). VCF-style: chr6-51775810-A-G. GRCh37 (hg19) VCF-style: chr6-51640608-A-G.
Other names: c.8552T>C, p.Ile2851Thr (NM_170724.3); short protein forms I2851T.
Identifiers: ClinVar variation 552021 (VCV000552021.10), dbSNP rs1554232224, ClinGen allele CA364437636.
Genomic context (GRCh38, chr6:51,775,810, plus strand): 5'-AGCACACAATACACACACATGCATTTTATTTTTAATAAAAACTATATTATACTCTTACCA[A>G]TTGTTCCTGGGTCAATATGAATTCCATTCATACGGTCACAAAAGACTCCCTCTGAGGCTC-3'
Protein context (NP_619639.3, residues 2841-2861): MNGIHIDPGT[Ile2851Thr]GVYGKVHLYS

ClinVar aggregate classification (germline): Pathogenic/Likely pathogenic. Review status: criteria provided, multiple submitters, no conflicts (2 of 4 stars). 7 submissions from 7 submitters: Pathogenic (1); Likely pathogenic (4). 2 of the submissions do not count toward it. Last evaluated 2026-07-30.

Conditions:
PKHD1-related disorder. Also called: PKHD1-related condition.
Polycystic kidney disease 4 (PKD4). Also called: Autosomal Recessive Polycystic Kidney Disease – PKHD1; PKD3; POLYCYSTIC KIDNEY DISEASE 4 WITH OR WITHOUT POLYCYSTIC LIVER DISEASE; POLYCYSTIC KIDNEY AND HEPATIC DISEASE 1; POLYCYSTIC KIDNEY DISEASE, INFANTILE, TYPE I. Identifiers: MedGen C4540575, MONDO:0033004, OMIM 263200.
Autosomal recessive polycystic kidney disease (ARPKD). Also called: AR polycystic kidney disease. Identifiers: Orphanet 731, Orphanet 8378, MedGen C0085548, MeSH D017044, MONDO:0009889.

Allele frequency attached by ClinVar (database versions not stated): gnomAD exomes below 0.00001.
gnomAD v4.1: 3 of 1,396,384 alleles (0.00021%); highest among the groups gnomAD compares: East Asian, 0.0023%; no homozygotes.

Submissions (7):

PreventionGenetics, part of Exact Sciences
Classification: Likely pathogenic for PKHD1-related condition. Last evaluated: 2026-07-30. Review status: criteria provided, single submitter. Criteria: ACMG Guidelines, 2015. Collection method: clinical testing. Allele origin: germline.
Comment: The PKHD1 c.8552T>C variant is predicted to result in the amino acid substitution p.Ile2851Thr. This variant has been reported in the homozygous or compound heterozygous state in individuals with autosomal recessive polycystic kidney disease (Bergmann et al. 2005. PubMed ID: 15698423; Szabó et al. 2018. PubMed ID: 29956005; Burgmaier et al. 2021. PubMed ID: 33940108). This variant has not been reported in a large population database (gnomAD), indicating it is rare. This variant is interpreted as likely pathogenic.

Labcorp Genetics (formerly Invitae), Labcorp
Classification: Pathogenic for Autosomal recessive polycystic kidney disease. Last evaluated: 2025-12-16. Review status: criteria provided, single submitter. Criteria: Invitae Variant Classification Sherloc (09022015). Collection method: clinical testing. Allele origin: germline.
Comment: This sequence change replaces isoleucine, which is neutral and non-polar, with threonine, which is neutral and polar, at codon 2851 of the PKHD1 protein (p.Ile2851Thr). This variant is not present in population databases (gnomAD no frequency). This missense change has been observed in individual(s) with autosomal recessive polycystic kidney disease (PMID: 15698423, 29956005, 33940108). In at least one individual the data is consistent with being in trans (on the opposite chromosome) from a pathogenic variant. ClinVar contains an entry for this variant (Variation ID: 552021). An algorithm developed to predict the effect of missense changes on protein structure and function (PolyPhen-2) suggests that this variant is likely to be disruptive. For these reasons, this variant has been classified as Pathogenic.

Natera, Inc.
Classification: Likely pathogenic for Autosomal recessive polycystic kidney disease. Last evaluated: 2025-11-04. Review status: criteria provided, single submitter. Criteria: Natera Variant Classification Schema (03/2026). Collection method: clinical testing. Allele origin: germline.
Comment: The c.8552T>C variant in PKHD1 is a missense variant predicted to cause substitution of isoleucine to threonine at amino acid 2851. This variant is rare in the general population with a frequency below the threshold expected for the associated phenotype(s). This variant has been observed in one or more individuals affected with the associated recessive disease, as either homozygous or compound heterozygous with a second variant (PMID: 29956005, 33940108). This variant has been identified in one or more affected individuals with a phenotype highly consistent with the associated gene (PMID:29956005). Computational prediction algorithms indicate this variant is likely to affect gene or protein function. Given the available evidence, this variant is classified as Likely Pathogenic.

Genomic Medicine Center of Excellence, King Faisal Specialist Hospital and Research Centre
Classification: Likely pathogenic for Polycystic kidney disease 4. Last evaluated: 2025-09-10. Review status: criteria provided, single submitter. Criteria: ACMG Guidelines, 2015. Collection method: clinical testing. Allele origin: germline.

Women's Health and Genetics/Laboratory Corporation of America, LabCorp
Classification: Likely pathogenic for Autosomal recessive polycystic kidney disease. Last evaluated: 2022-07-30. Review status: criteria provided, single submitter. Criteria: LabCorp Variant Classification Summary - May 2015. Collection method: clinical testing. Allele origin: germline.
Comment: Variant summary: PKHD1 c.8552T>C (p.Ile2851Thr) results in a non-conservative amino acid change located in the G8 domain (IPR019316) of the encoded protein sequence. Five of five in-silico tools predict a damaging effect of the variant on protein function. The variant was absent in 248318 control chromosomes. c.8552T>C has been reported in the literature as a homozygous and compound heterozygous genotype in individuals affected with Autosomal recessive polycystic kidney disease (example, Bergmann_2005, Szabo_2018, Burgmaier_2021). These data indicate that the variant is likely to be associated with disease. To our knowledge, no experimental evidence demonstrating an impact on protein function has been reported. One clinical diagnostic laboratory has submitted clinical-significance assessments for this variant to ClinVar after 2014 without evidence for independent evaluation and classified the variant as uncertain significance. Based on the evidence outlined above, the variant was classified as likely pathogenic.

Zotz-Klimas Genetics Lab, MVZ Zotz Klimas
Classification: Likely pathogenic for Polycystic kidney disease 4. Last evaluated: 2023-10-30. Review status: no assertion criteria provided. Collection method: clinical testing. Allele origin: germline. Affected: yes. Not counted in ClinVar's aggregate classification.

Counsyl
Classification: Uncertain significance for Polycystic kidney disease 4. Last evaluated: 2017-05-19. Review status: no assertion criteria provided. Collection method: clinical testing. Allele origin: unknown. Not counted in ClinVar's aggregate classification.

Literature cited by the submitters: PubMed 15698423 (cited by 3 submitters); PubMed 29956005 (cited by 3 submitters); PubMed 33940108 (cited by 3 submitters).